The following is an entry in ClinVar:

ClinVar aggregate classification (germline): Likely benign. Review status: criteria provided, multiple submitters, no conflicts (2 of 4 stars). 2 submissions from 2 submitters: Likely benign (2). Last evaluated 2026-09-01.

Conditions:
Meckel-Gruber syndrome. Also called: DYSENCEPHALIA SPLANCHNOCYSTICA; GRUBER SYNDROME; Dysencephalia splachnocystica. Identifiers: Orphanet 564, MedGen C0265215, MONDO:0018921.
Joubert syndrome. Also called: JOUBERT-BOLTSHAUSER SYNDROME; Familial aplasia of the vermis. Identifiers: Orphanet 475, MedGen C5979921, MONDO:0018772.

Allele frequency attached by ClinVar (database versions not stated): TOPMed below 0.00001; gnomAD 0.00001; gnomAD exomes 0.00001.
gnomAD v4.1: 5 of 1,613,162 alleles (0.00031%); highest among the groups gnomAD compares: East Asian, 0.0022%; no homozygotes.

Submissions (2):

CeGaT Center for Human Genetics Tuebingen
Classification: Likely benign. Last evaluated: 2026-09-01. Review status: criteria provided, single submitter. Criteria: CeGaT Center For Human Genetics Tuebingen Variant Classification Criteria Version 2. Collection method: clinical testing. Allele origin: germline. Affected: yes. Observed: 1 variant allele.
Comment: CC2D2A: BP4, BP7

Labcorp Genetics (formerly Invitae), Labcorp
Classification: Likely benign for Joubert syndrome; Meckel-Gruber syndrome. Last evaluated: 2025-04-17. Review status: criteria provided, single submitter. Criteria: Invitae Variant Classification Sherloc (09022015). Collection method: clinical testing. Allele origin: germline.

NM_001378615.1(CC2D2A):c.1057C>T (p.Leu353=)

Genes: CC2D2A (coiled-coil and C2 domain containing 2A; plus strand), FBXL5 (F-box and leucine rich repeat protein 5; minus strand). Cytogenetic location: 4p15.32.
Variant type: single nucleotide variant.
Coding change: c.1057C>T on transcript NM_001378615.1 (MANE Select); coding-DNA position 1057, C replaced by T.
Protein change: p.Leu353=; no amino-acid change (leucine 353 retained).
Molecular consequence: synonymous variant.
Genome position (GRCh38, 1-based): chr4:15,516,664, C>T. VCF-style: chr4-15516664-C-T. GRCh37 (hg19) VCF-style: chr4-15518287-C-T.
Other names: c.1057C>T, p.Leu353= (NM_001080522.2); c.910C>T, p.Leu304= (NM_001378617.1).
Identifiers: ClinVar variation 1654930 (VCV001654930.9), dbSNP rs1365896129, ClinGen allele CA438382012.
Genomic context (GRCh38, chr4:15,516,664, plus strand): 5'-TTCCCTCTGCTTCATCTACAGGAAAGAAGATGGTTTGGAGATGACGGCAGGATCCTAGCT[C>T]TGCCAAACCCCATCAAGCCATTTCCTTCAAGGCCGCCAGTACTAACACAGGAGCAGAGCA-3'
Protein context (NP_001365544.1, residues 343-363): WFGDDGRILA[Leu353=]PNPIKPFPSR